The following is an entry in ClinVar:

NM_001378477.3(NYX):c.218G>A (p.Gly73Asp)

Gene: NYX (nyctalopin; plus strand). Cytogenetic location: Xp11.4.
Variant type: single nucleotide variant.
Coding change: c.218G>A on transcript NM_001378477.3 (MANE Select); coding-DNA position 218, G replaced by A.
Protein change: p.Gly73Asp; replaces glycine 73 with aspartic acid.
Molecular consequence: missense variant.
Genome position (GRCh38, 1-based): chrX:41,473,686, G>A. VCF-style: chrX-41473686-G-A. GRCh37 (hg19) VCF-style: chrX-41332939-G-A.
Other names: c.218G>A, p.Gly73Asp (NM_022567.3); short protein forms G73D.
Identifiers: ClinVar variation 2981656 (VCV002981656.4), dbSNP rs774858268, ClinGen allele CA10389787.

ClinVar aggregate classification (germline): Uncertain significance. Review status: criteria provided, multiple submitters, no conflicts (2 of 4 stars). 2 submissions from 2 submitters: Uncertain significance (2). Last evaluated 2024-07-11.

Allele frequency attached by ClinVar (database versions not stated): gnomAD exomes 0.00001; gnomAD 0.00002; 1000 Genomes Project 30x 0.00021; ExAC 0.00021; 1000 Genomes Project 0.00026.
gnomAD v4.1: 12 of 1,131,540 alleles (0.0011%); highest among the groups gnomAD compares: South Asian, 0.024%; no homozygotes.

Submissions (2):

Blueprint Genetics
Classification: Uncertain significance. Last evaluated: 2024-07-11. Review status: criteria provided, single submitter. Criteria: ACMG Guidelines, 2015. Collection method: clinical testing. Allele origin: germline.

Labcorp Genetics (formerly Invitae), Labcorp
Classification: Uncertain significance. Last evaluated: 2024-06-28. Review status: criteria provided, single submitter. Criteria: Invitae Variant Classification Sherloc (09022015). Collection method: clinical testing. Allele origin: germline.
Comment: This sequence change replaces glycine, which is neutral and non-polar, with aspartic acid, which is acidic and polar, at codon 78 of the NYX protein (p.Gly78Asp). This variant is present in population databases (rs774858268, gnomAD 0.03%). This variant has not been reported in the literature in individuals affected with NYX-related conditions. Advanced modeling of protein sequence and biophysical properties (such as structural, functional, and spatial information, amino acid conservation, physicochemical variation, residue mobility, and thermodynamic stability) performed at Invitae indicates that this missense variant is not expected to disrupt NYX protein function with a negative predictive value of 80%. In summary, the available evidence is currently insufficient to determine the role of this variant in disease. Therefore, it has been classified as a Variant of Uncertain Significance.